The following is an entry in ClinVar:

ClinVar aggregate classification (germline): Likely benign. Review status: criteria provided, multiple submitters, no conflicts (2 of 4 stars). 3 submissions from 3 submitters: Likely benign (3). Last evaluated 2026-07-01.

Conditions:
Inborn genetic diseases. Identifiers: MedGen C0950123, MeSH D030342.

Allele frequency attached by ClinVar (database versions not stated): ExAC 0.00002; gnomAD 0.00002; TOPMed 0.00002; gnomAD exomes 0.00003.
gnomAD v4.1: 54 of 1,613,960 alleles (0.0033%); highest among the groups gnomAD compares: African/African-American, 0.008%; no homozygotes.

Submissions (3):

CeGaT Center for Human Genetics Tuebingen
Classification: Likely benign. Last evaluated: 2026-07-01. Review status: criteria provided, single submitter. Criteria: CeGaT Center For Human Genetics Tuebingen Variant Classification Criteria Version 2. Collection method: clinical testing. Allele origin: germline. Affected: yes. Observed: 1 variant allele.
Comment: CDH2: BP4, BP7

Labcorp Genetics (formerly Invitae), Labcorp
Classification: Likely benign. Last evaluated: 2024-10-23. Review status: criteria provided, single submitter. Criteria: Invitae Variant Classification Sherloc (09022015). Collection method: clinical testing. Allele origin: germline.

Ambry Genetics
Classification: Likely benign for Inborn genetic diseases. Last evaluated: 2021-06-30. Review status: criteria provided, single submitter. Criteria: Ambry Variant Classification Scheme 2023. Collection method: clinical testing. Allele origin: germline.

NM_001792.5(CDH2):c.2463G>A (p.Pro821=)

Genes: CDH2 (cadherin 2; minus strand), CDH2-AS1 (CDH2 antisense RNA 1; plus strand). Cytogenetic location: 18q12.1.
Variant type: single nucleotide variant.
Coding change: c.2463G>A on transcript NM_001792.5 (MANE Select); coding-DNA position 2463, G replaced by A.
Protein change: p.Pro821=; no amino-acid change (proline 821 retained).
Molecular consequence: synonymous variant.
Genome position (GRCh38, 1-based): chr18:27,963,408, C>T on the plus strand (G>A on the coding strand, the complement: CDH2 is on the minus strand). VCF-style: chr18-27963408-C-T. GRCh37 (hg19) VCF-style: chr18-25543372-C-T.
Other names: c.2370G>A, p.Pro790= (NM_001308176.2).
Identifiers: ClinVar variation 1791664 (VCV001791664.8), dbSNP rs576574544, ClinGen allele CA8923145.